The following is an entry in ClinVar:

NM_000089.4(COL1A2):c.500T>C (p.Phe167Ser)

Gene: COL1A2 (collagen type I alpha 2 chain; plus strand). Cytogenetic location: 7q21.3.
Variant type: single nucleotide variant.
Coding change: c.500T>C on transcript NM_000089.4 (MANE Select); coding-DNA position 500, T replaced by C.
Protein change: p.Phe167Ser; replaces phenylalanine 167 with serine.
Molecular consequence: missense variant.
Genome position (GRCh38, 1-based): chr7:94,405,686, T>C. VCF-style: chr7-94405686-T-C. GRCh37 (hg19) VCF-style: chr7-94034998-T-C.
Other names: short protein forms F167S.
Identifiers: ClinVar variation 2935620 (VCV002935620.6), dbSNP rs1302801050, ClinGen allele CA368219907.
Genomic context (GRCh38, chr7:94,405,686, plus strand): 5'-TATTTATGGTAAAACATTATTCACCATCTTCTGTATTTCTTTCTAAGGGTGCTCGTGGTT[T>C]CCCTGGAACTCCTGGACTTCCTGGCTTCAAAGGCATTAGGGTGAGCACATTCTTTACTCA-3'
Protein context (NP_000080.2, residues 157-177): GVVGPQGARG[Phe167Ser]PGTPGLPGFK

ClinVar aggregate classification (germline): Uncertain significance. Review status: criteria provided, multiple submitters, no conflicts (2 of 4 stars). 4 submissions from 4 submitters: Uncertain significance (4). Last evaluated 2025-01-03.

Conditions:
Cardiovascular phenotype. Identifiers: MedGen CN230736.
Osteogenesis imperfecta type I (OI1). Also called: Classic Non-deforming Osteogenesis Imperfecta with Blue Sclerae; Osteogenesis imperfecta type 1; Lobstein disease; Lobstein's Disease; OI, TYPE I; OSTEOGENESIS IMPERFECTA TARDA. Identifiers: Orphanet 216796, Orphanet 666, MedGen C0023931, MONDO:0008146, OMIM 166200. Disease mechanism: loss of function.
Ehlers-Danlos syndrome, classic type, 1 (EDSCL1). Also called: EHLERS-DANLOS SYNDROME, GRAVIS TYPE; EHLERS-DANLOS SYNDROME, SEVERE CLASSIC TYPE; EDS I; Ehlers-Danlos syndrome, type 1; Ehlers-Danlos Syndrome, Classic Type, COL5A1-Related. Identifiers: MedGen C0268335, MONDO:0019567, OMIM 130000.

Allele frequency attached by ClinVar (database versions not stated): gnomAD exomes below 0.00001.
gnomAD v4.1: 3 of 1,613,516 alleles (0.00019%); highest among the groups gnomAD compares: Non-Finnish European, 0.00025%; no homozygotes.

Submissions (4):

Ambry Genetics
Classification: Uncertain significance for Cardiovascular phenotype. Last evaluated: 2025-01-03. Review status: criteria provided, single submitter. Criteria: Ambry Variant Classification Scheme 2023. Collection method: clinical testing. Allele origin: germline.
Comment: The p.F167S variant (also known as c.500T>C), located in coding exon 11 of the COL1A2 gene, results from a T to C substitution at nucleotide position 500. The phenylalanine at codon 167 is replaced by serine, an amino acid with highly dissimilar properties. This amino acid position is highly conserved in available vertebrate species. In addition, this alteration is predicted to be deleterious by in silico analysis. Based on the available evidence, the clinical significance of this variant remains unclear.

GeneDx
Classification: Uncertain significance. Last evaluated: 2024-09-18. Review status: criteria provided, single submitter. Criteria: GeneDx Variant Classification Process June 2021. Collection method: clinical testing. Allele origin: germline. Affected: yes.
Comment: Not observed at significant frequency in large population cohorts (gnomAD); In silico analysis supports that this missense variant has a deleterious effect on protein structure/function; Has not been previously published as pathogenic or benign to our knowledge; Occurs in the triple helical domain at the X position in the canonical Gly-X-Y repeat; although this variant may have an effect on normal protein folding and function, missense substitution at the X position is not a common mechanism of disease (HGMD)

Labcorp Genetics (formerly Invitae), Labcorp
Classification: Uncertain significance for Osteogenesis imperfecta type I; Ehlers-Danlos syndrome, classic type, 1. Last evaluated: 2024-08-14. Review status: criteria provided, single submitter. Criteria: Invitae Variant Classification Sherloc (09022015). Collection method: clinical testing. Allele origin: germline.
Comment: This sequence change replaces phenylalanine, which is neutral and non-polar, with serine, which is neutral and polar, at codon 167 of the COL1A2 protein (p.Phe167Ser). This variant is present in population databases (no rsID available, gnomAD 0.0009%). This variant has not been reported in the literature in individuals affected with COL1A2-related conditions. Invitae Evidence Modeling of protein sequence and biophysical properties (such as structural, functional, and spatial information, amino acid conservation, physicochemical variation, residue mobility, and thermodynamic stability) has been performed for this missense variant. However, the output from this modeling did not meet the statistical confidence thresholds required to predict the impact of this variant on COL1A2 protein function. In summary, the available evidence is currently insufficient to determine the role of this variant in disease. Therefore, it has been classified as a Variant of Uncertain Significance.

Blueprint Genetics
Classification: Uncertain significance. Last evaluated: 2023-08-23. Review status: criteria provided, single submitter. Criteria: ACMG Guidelines, 2015. Collection method: clinical testing. Allele origin: germline.